The following is an entry in ClinVar:

ClinVar aggregate classification (germline): Likely pathogenic (1 of 4 stars; one submission).

Conditions:
Immunodeficiency 87 and autoimmunity. Identifiers: MedGen C5562070, MONDO:0030457, OMIM 619573.

Submission:

Neuberg Centre For Genomic Medicine, NCGM
Classification: Likely pathogenic for Immunodeficiency 87 and autoimmunity. Last evaluated: 2023-05-20. Review status: criteria provided, single submitter. Criteria: ACMG Guidelines, 2015. Collection method: clinical testing. Allele origin: germline. Inheritance: Autosomal recessive inheritance. Affected: yes.
Comment: The observed frameshift variant c.476_485del(p.Leu159TrpfsTer57) in the DEF6 gene has not been reported previously as a pathogenic variant nor as a benign variant, to our knowledge. This variant is absent in the gnomAD Exomes. TThis variant causes a frameshift starting with codon Leucine 159, changes this amino acid to Tryptophan residue, and creates a premature Stop codon at position 57 of the new reading frame, denoted p.Leu159TrpfsTer57. This variant is predicted to cause loss of normal protein function through protein truncation. Loss of function variants have been previously reported to be disease causing (Fournier B, et al., 2021). For these reasons, this variant has been classified as Likely Pathogenic. In the absence of another reportable variant, the molecular diagnosis is not confirmed.

NM_022047.4(DEF6):c.476_485del (p.Leu159fs)

Gene: DEF6 (DEF6 guanine nucleotide exchange factor; plus strand). Cytogenetic location: 6p21.31.
Variant type: Deletion.
Coding change: c.476_485del on transcript NM_022047.4 (MANE Select); coding-DNA positions 476 to 485, 10 bases deleted (TGGGTGAGCT; older notation c.476_485delTGGGTGAGCT).
Protein change: p.Leu159fs; shifts the reading frame from leucine 159.
Molecular consequence: frameshift variant.
Genome position (GRCh38, 1-based): chr6:35,312,354-35,312,363, TGGGTGAGCT deleted; deleting any 10 consecutive bases within chr6:35,312,346-35,312,363 gives the same sequence; the c. name uses the placement nearest the transcript's 3' end. VCF-style (leftmost placement, unchanged base first): chr6-35312345-AGGTGAGCTTG-A. GRCh37 (hg19) VCF-style: chr6-35280122-AGGTGAGCTTG-A.
Other names: short protein forms L159fs.
Identifiers: ClinVar variation 3341305 (VCV003341305.1).